The following is an entry in ClinVar:

NM_000548.5(TSC2):c.139-4C>T

Gene: TSC2 (TSC complex subunit 2; plus strand). Cytogenetic location: 16p13.3.
Variant type: single nucleotide variant.
Coding change: c.139-4C>T on transcript NM_000548.5 (MANE Select); 4 bases into the intron before coding-DNA position 139, C replaced by T.
Molecular consequence: intron variant.
Genome position (GRCh38, 1-based): chr16:2,050,396, C>T. VCF-style: chr16-2050396-C-T. GRCh37 (hg19) VCF-style: chr16-2100397-C-T.
Other names: c.139-4C>T (NM_001114382.3, NM_021055.3, NM_001370405.1 and 4 more transcripts); c.-88-4C>T (NM_001318831.2); c.-9-4C>T (NM_001318829.2); c.172-4C>T (NM_001318832.2).
Identifiers: ClinVar variation 1595947 (VCV001595947.12), dbSNP rs747561824, ClinGen allele CA2573151768.
Genomic context (GRCh38, chr16:2,050,396, plus strand): 5'-ACTTGCAGTTAAGGAGACCGTGGCCTGAGCACTGGCCCCTTTTTCTTCTTTCATCTCTCT[C>T]CAGGAACTGAGCATGGAATGTGGCCTCAACAATCGCATCCGGATGATAGGGCAGATTTGT-3'

ClinVar aggregate classification (germline): Likely benign. Review status: criteria provided, multiple submitters, no conflicts (2 of 4 stars). 3 submissions from 3 submitters: Likely benign (3). Last evaluated 2025-12-31.

Conditions:
Hereditary cancer-predisposing syndrome. Also called: Hereditary Cancer Syndrome; Tumor predisposition; Neoplastic Syndromes, Hereditary; Hereditary neoplastic syndrome. Identifiers: Orphanet 140162, MedGen C0027672, MeSH D009386, MONDO:0015356.
Tuberous sclerosis 2 (TSC2). Identifiers: Orphanet 805, MedGen C1860707, MONDO:0013199, OMIM 613254.

Submissions (3):

Labcorp Genetics (formerly Invitae), Labcorp
Classification: Likely benign for Tuberous sclerosis 2. Last evaluated: 2025-12-31. Review status: criteria provided, single submitter. Criteria: Invitae Variant Classification Sherloc (09022015). Collection method: clinical testing. Allele origin: germline.

Myriad Genetics, Inc.
Classification: Likely benign for Tuberous sclerosis 2. Last evaluated: 2025-04-30. Review status: criteria provided, single submitter. Criteria: Myriad Autosomal Dominant, Autosomal Recessive and X-Linked Classification Criteria (2023). Collection method: clinical testing. Allele origin: unknown.
Comment: This variant is considered likely benign. This variant is intronic and is not expected to impact mRNA splicing.

Ambry Genetics
Classification: Likely benign for Hereditary cancer-predisposing syndrome. Last evaluated: 2022-02-04. Review status: criteria provided, single submitter. Criteria: Ambry Variant Classification Scheme 2023. Collection method: clinical testing. Allele origin: germline.